The following is an entry in ClinVar:

NM_133433.4(NIPBL):c.3520A>G (p.Lys1174Glu)

Gene: NIPBL (NIPBL cohesin loading factor; plus strand). Cytogenetic location: 5p13.2.
Variant type: single nucleotide variant.
Coding change: c.3520A>G on transcript NM_133433.4 (MANE Select); coding-DNA position 3520, A replaced by G.
Protein change: p.Lys1174Glu; replaces lysine 1174 with glutamic acid.
Molecular consequence: missense variant.
Genome position (GRCh38, 1-based): chr5:37,000,834, A>G. VCF-style: chr5-37000834-A-G. GRCh37 (hg19) VCF-style: chr5-37000936-A-G.
Other names: c.3520A>G, p.Lys1174Glu (NM_015384.5); short protein forms K1174E.
Identifiers: ClinVar variation 2503264 (VCV002503264.1), dbSNP rs2478085477, ClinGen allele CA359518082.

ClinVar aggregate classification (germline): Likely pathogenic (1 of 4 stars; one submission).

Allele frequency attached by ClinVar (database versions not stated): gnomAD exomes below 0.00001.
gnomAD v4.1: 1 of 1,611,426 alleles (0.000062%); highest among the groups gnomAD compares: Non-Finnish European, 0.000085%; no homozygotes.

Submission:

GeneDx
Classification: Likely pathogenic. Last evaluated: 2022-09-23. Review status: criteria provided, single submitter. Criteria: GeneDx Variant Classification Process June 2021. Collection method: clinical testing. Allele origin: germline. Affected: yes.
Comment: Not observed at significant frequency in large population cohorts (gnomAD); In silico analysis supports that this missense variant does not alter protein structure/function; Has not been previously published as pathogenic or benign to our knowledge